The following is an entry in ClinVar:

ClinVar aggregate classification (germline): Likely benign. Review status: criteria provided, single submitter (1 of 4 stars). 2 submissions from 2 submitters: Likely benign (1). 1 of the submissions does not count toward it. Last evaluated 2025-12-08.

Conditions:
RPGRIP1L-related disorder. Also called: RPGRIP1L-related condition; RPGRIP1L-related disorders. Identifiers: MedGen CN239416.
Joubert syndrome. Also called: Familial aplasia of the vermis; JOUBERT-BOLTSHAUSER SYNDROME. Identifiers: Orphanet 475, MedGen C5979921, MONDO:0018772.
Meckel-Gruber syndrome. Also called: Dysencephalia splachnocystica; GRUBER SYNDROME; DYSENCEPHALIA SPLANCHNOCYSTICA. Identifiers: Orphanet 564, MedGen C0265215, MONDO:0018921.

Allele frequency attached by ClinVar (database versions not stated): gnomAD 0.00001; gnomAD exomes 0.00001; TOPMed 0.00001.
gnomAD v4.1: 8 of 1,612,980 alleles (0.0005%); highest among the groups gnomAD compares: Non-Finnish European, 0.00068%; no homozygotes.

Submissions (2):

Labcorp Genetics (formerly Invitae), Labcorp
Classification: Likely benign for Joubert syndrome; Meckel-Gruber syndrome. Last evaluated: 2025-12-08. Review status: criteria provided, single submitter. Criteria: Invitae Variant Classification Sherloc (09022015). Collection method: clinical testing. Allele origin: germline.

PreventionGenetics, part of Exact Sciences
Classification: Likely benign for RPGRIP1L-related condition. Last evaluated: 2023-04-24. Review status: no assertion criteria provided. Collection method: clinical testing. Allele origin: germline. Not counted in ClinVar's aggregate classification.
Comment: This variant is classified as likely benign based on ACMG/AMP sequence variant interpretation guidelines (Richards et al. 2015 PMID: 25741868, with internal and published modifications).

NM_015272.5(RPGRIP1L):c.909C>T (p.His303=)

Gene: RPGRIP1L (RPGRIP1 like; minus strand). Cytogenetic location: 16q12.2.
Variant type: single nucleotide variant.
Coding change: c.909C>T on transcript NM_015272.5 (MANE Select); coding-DNA position 909, C replaced by T.
Protein change: p.His303=; no amino-acid change (histidine 303 retained).
Molecular consequence: synonymous variant.
Genome position (GRCh38, 1-based): chr16:53,672,990, G>A on the plus strand (C>T on the coding strand, the complement: RPGRIP1L is on the minus strand). VCF-style: chr16-53672990-G-A. GRCh37 (hg19) VCF-style: chr16-53706902-G-A.
Other names: c.909C>T (NM_015272.4); c.909C>T, p.His303= (NM_001127897.4, NM_001308334.3, NM_001330538.2).
Identifiers: ClinVar variation 1108838 (VCV001108838.10), dbSNP rs1313242175, ClinGen allele CA495538867.